The following is an entry in ClinVar:

NM_005184.4(CALM3):c.82A>G (p.Ile28Val)

Gene: CALM3 (calmodulin 3; plus strand). Cytogenetic location: 19q13.32.
Variant type: single nucleotide variant.
Coding change: c.82A>G on transcript NM_005184.4 (MANE Select); coding-DNA position 82, A replaced by G.
Protein change: p.Ile28Val; replaces isoleucine 28 with valine.
Molecular consequence: missense variant. On other transcripts: 5 prime UTR variant (5).
Genome position (GRCh38, 1-based): chr19:46,608,244, A>G. VCF-style: chr19-46608244-A-G. GRCh37 (hg19) VCF-style: chr19-47111501-A-G.
Other names: c.-27A>G (NM_001329921.1, NM_001329923.1, NM_001329924.2 and 2 more transcripts); c.82A>G, p.Ile28Val (NM_001329922.1); short protein forms I28V.
Identifiers: ClinVar variation 3713524 (VCV003713524.2).

ClinVar aggregate classification (germline): Uncertain significance (1 of 4 stars; one submission).

Conditions:
Long QT syndrome 1 (LQT1). Identifiers: Orphanet 101016, Orphanet 768, MedGen C4551647, MONDO:0100316, OMIM 192500, MONDO:0008646.

gnomAD v4.1: 6 of 1,613,900 alleles (0.00037%); highest among the groups gnomAD compares: Non-Finnish European, 0.00051%; no homozygotes.

Submission:

Labcorp Genetics (formerly Invitae), Labcorp
Classification: Uncertain significance for Long QT syndrome 1. Last evaluated: 2024-09-12. Review status: criteria provided, single submitter. Criteria: Invitae Variant Classification Sherloc (09022015). Collection method: clinical testing. Allele origin: germline.
Comment: This sequence change replaces isoleucine, which is neutral and non-polar, with valine, which is neutral and non-polar, at codon 28 of the CALM3 protein (p.Ile28Val). This variant is present in population databases (rs763100441, gnomAD 0.003%). This variant has not been reported in the literature in individuals affected with CALM3-related conditions. An algorithm developed to predict the effect of missense changes on protein structure and function (PolyPhen-2) suggests that this variant is likely to be tolerated. In summary, the available evidence is currently insufficient to determine the role of this variant in disease. Therefore, it has been classified as a Variant of Uncertain Significance.